The following is an entry in ClinVar:

ClinVar aggregate classification (germline): Uncertain significance. Review status: criteria provided, multiple submitters, no conflicts (2 of 4 stars). 2 submissions from 2 submitters: Uncertain significance (2). Last evaluated 2024-04-17.

Conditions:
Saldino-Mainzer syndrome (SRTD9). Also called: CONORENAL SYNDROME; Renal dysplasia, retinal pigmentary dystrophy, cerebellar ataxia and skeletal dysplasia; SHORT-RIB THORACIC DYSPLASIA 9 WITHOUT POLYDACTYLY; short-rib thoracic dysplasia 9 with or without polydactyly. Identifiers: Orphanet 140969, MedGen C1849437, MONDO:0009964, OMIM 266920.
Retinitis pigmentosa 80 (RP80). Identifiers: MedGen C4540439, MONDO:0054708, OMIM 617781.

Allele frequency attached by ClinVar (database versions not stated): gnomAD exomes below 0.00001; TOPMed below 0.00001.
gnomAD v4.1: 2 of 1,614,248 alleles (0.00012%); highest among the groups gnomAD compares: Admixed American, 0.0017%; no homozygotes.

Submissions (2):

Fulgent Genetics
Classification: Uncertain significance for Saldino-Mainzer syndrome; Retinitis pigmentosa 80. Last evaluated: 2024-04-17. Review status: criteria provided, single submitter. Criteria: ACMG Guidelines, 2015. Collection method: clinical testing. Allele origin: germline.

Labcorp Genetics (formerly Invitae), Labcorp
Classification: Uncertain significance for Saldino-Mainzer syndrome. Last evaluated: 2021-09-17. Review status: criteria provided, single submitter. Criteria: Invitae Variant Classification Sherloc (09022015). Collection method: clinical testing. Allele origin: germline.
Comment: In summary, the available evidence is currently insufficient to determine the role of this variant in disease. Therefore, it has been classified as a Variant of Uncertain Significance. Algorithms developed to predict the effect of missense changes on protein structure and function output the following: SIFT: "Tolerated"; PolyPhen-2: "Benign"; Align-GVGD: "Class C0". The valine amino acid residue is found in multiple mammalian species, which suggests that this missense change does not adversely affect protein function. This variant has not been reported in the literature in individuals affected with IFT140-related conditions. This variant is not present in population databases (ExAC no frequency). This sequence change replaces isoleucine with valine at codon 106 of the IFT140 protein (p.Ile106Val). The isoleucine residue is moderately conserved and there is a small physicochemical difference between isoleucine and valine.

NM_014714.4(IFT140):c.316A>G (p.Ile106Val)

Genes: IFT140 (intraflagellar transport 140; minus strand), LOC105371046 (uncharacterized LOC105371046; plus strand). Cytogenetic location: 16p13.3.
Variant type: single nucleotide variant.
Coding change: c.316A>G on transcript NM_014714.4 (MANE Select); coding-DNA position 316, A replaced by G.
Protein change: p.Ile106Val; replaces isoleucine 106 with valine.
Molecular consequence: missense variant.
Genome position (GRCh38, 1-based): chr16:1,602,423, T>C on the plus strand (A>G on the coding strand, the complement: IFT140 is on the minus strand). VCF-style: chr16-1602423-T-C. GRCh37 (hg19) VCF-style: chr16-1652424-T-C.
Other names: short protein forms I106V.
Identifiers: ClinVar variation 1373991 (VCV001373991.7), dbSNP rs1465706247, ClinGen allele CA394223029.